The following is an entry in ClinVar:

ClinVar aggregate classification (germline): Uncertain significance. Review status: criteria provided, multiple submitters, no conflicts (2 of 4 stars). 3 submissions from 3 submitters: Uncertain significance (3). Last evaluated 2024-04-16.

Conditions:
Inborn genetic diseases. Identifiers: MedGen C0950123, MeSH D030342.
Combined immunodeficiency due to DOCK8 deficiency (HIES2). Also called: HIES autosomal recessive; DOCK8 Deficiency; Hyper-IgE recurrent infection syndrome, autosomal recessive; HYPER-IgE RECURRENT INFECTION SYNDROME 2, AUTOSOMAL RECESSIVE; HYPER-IgE SYNDROME 2, AUTOSOMAL RECESSIVE, WITH RECURRENT INFECTIONS. Identifiers: Orphanet 217390, MedGen C4722305, MONDO:0009478, OMIM 243700.

Allele frequency attached by ClinVar (database versions not stated): gnomAD 0.00002 and 0.00005; TOPMed 0.00002; ExAC 0.00007.
gnomAD v4.1: 98 of 1,614,026 alleles (0.0061%); highest among the groups gnomAD compares: South Asian, 0.075%; 1 homozygote.

Submissions (3):

Labcorp Genetics (formerly Invitae), Labcorp
Classification: Uncertain significance for Combined immunodeficiency due to DOCK8 deficiency. Last evaluated: 2024-04-16. Review status: criteria provided, single submitter. Criteria: Invitae Variant Classification Sherloc (09022015). Collection method: clinical testing. Allele origin: germline.
Comment: This sequence change replaces lysine, which is basic and polar, with threonine, which is neutral and polar, at codon 1803 of the DOCK8 protein (p.Lys1803Thr). This variant is present in population databases (rs534744136, gnomAD 0.06%). This variant has not been reported in the literature in individuals affected with DOCK8-related conditions. ClinVar contains an entry for this variant (Variation ID: 860671). Advanced modeling of protein sequence and biophysical properties (such as structural, functional, and spatial information, amino acid conservation, physicochemical variation, residue mobility, and thermodynamic stability) has been performed at Invitae for this missense variant, however the output from this modeling did not meet the statistical confidence thresholds required to predict the impact of this variant on DOCK8 protein function. In summary, the available evidence is currently insufficient to determine the role of this variant in disease. Therefore, it has been classified as a Variant of Uncertain Significance.

Ambry Genetics
Classification: Uncertain significance for Inborn genetic diseases. Last evaluated: 2021-10-12. Review status: criteria provided, single submitter. Criteria: Ambry Variant Classification Scheme 2023. Collection method: clinical testing. Allele origin: germline.

Illumina Laboratory Services, Illumina
Classification: Uncertain significance for Combined immunodeficiency due to DOCK8 deficiency. Last evaluated: 2018-01-13. Review status: criteria provided, single submitter. Criteria: ICSL Variant Classification Criteria 13 December 2019. Collection method: clinical testing. Allele origin: germline.

NM_203447.4(DOCK8):c.5408A>C (p.Lys1803Thr)

Gene: DOCK8 (dedicator of cytokinesis 8; plus strand). Cytogenetic location: 9p24.3.
Variant type: single nucleotide variant.
Coding change: c.5408A>C on transcript NM_203447.4 (MANE Select); coding-DNA position 5408, A replaced by C.
Protein change: p.Lys1803Thr; replaces lysine 1803 with threonine.
Molecular consequence: missense variant.
Genome position (GRCh38, 1-based): chr9:441,927, A>C. VCF-style: chr9-441927-A-C. GRCh37 (hg19) VCF-style: chr9-441927-A-C.
Other names: c.5108A>C, p.Lys1703Thr (NM_001190458.2); c.5204A>C, p.Lys1735Thr (NM_001193536.2); short protein forms K1803T, K1703T, K1735T.
Identifiers: ClinVar variation 860671 (VCV000860671.12), dbSNP rs534744136, ClinGen allele CA4959419.
Genomic context (GRCh38, chr9:441,927, plus strand): 5'-TTCCTCAGGATCATAAGAGAATGTTTGGAACCTACTTCCGAGTTGGTTTCTTTGGATCCA[A>C]ATTTGGGGATTTGGATGAACAGGAGTTTGTCTACAAAGAGCCTGCAATTACCAAGCTTCC-3'
Protein context (NP_982272.2, residues 1793-1813): TYFRVGFFGS[Lys1803Thr]FGDLDEQEFV